The following is an entry in ClinVar:

NM_001199138.2(NLRC4):c.394A>G (p.Ser132Gly)

Gene: NLRC4 (NLR family CARD domain containing 4; minus strand). Cytogenetic location: 2p22.3.
Variant type: single nucleotide variant.
Coding change: c.394A>G on transcript NM_001199138.2 (MANE Select); coding-DNA position 394, A replaced by G.
Protein change: p.Ser132Gly; replaces serine 132 with glycine.
Molecular consequence: missense variant. On other transcripts: intron variant (1).
Genome position (GRCh38, 1-based): chr2:32,251,470, T>C on the plus strand (A>G on the coding strand, the complement: NLRC4 is on the minus strand). VCF-style: chr2-32251470-T-C. GRCh37 (hg19) VCF-style: chr2-32476539-T-C.
Other names: c.394A>G, p.Ser132Gly (NM_001199139.2, NM_021209.5); c.262+949A>G (NM_001302504.1); short protein forms S132G.
Identifiers: ClinVar variation 4793827 (VCV004793827.1).
Genomic context (GRCh38, chr2:32,251,470, plus strand): 5'-GCTGCTCCACGCGGTGATGGTGTTGGTCCTTCCTCCACAGGACAGGTTCTGTGAAGGTGC[T>C]TTTCAAGTTAAAAATAATGTCAATATCTTCACCAAGGGGATAAAAGTTCAGAAAAGATGG-3'
Protein context (NP_001186067.1, residues 122-142): EDIDIIFNLK[Ser132Gly]TFTEPVLWRK

ClinVar aggregate classification (germline): Uncertain significance (1 of 4 stars; one submission).

Conditions:
Periodic fever-infantile enterocolitis-autoinflammatory syndrome. Also called: Autoinflammation with infantile enterocolitis. Identifiers: Orphanet 436166, MedGen C4015067, MONDO:0014472, OMIM 616050.
Familial cold autoinflammatory syndrome 4 (FCAS4). Identifiers: Orphanet 47045, Orphanet 576349, MedGen C4015276, MONDO:0014498, OMIM 616115.

gnomAD v4.1: 1 of 1,614,002 alleles (0.000062%); highest among the groups gnomAD compares: Non-Finnish European, 0.000085%; no homozygotes.

Submission:

Labcorp Genetics (formerly Invitae), Labcorp
Classification: Uncertain significance for Periodic fever-infantile enterocolitis-autoinflammatory syndrome; Familial cold autoinflammatory syndrome 4. Last evaluated: 2026-02-01. Review status: criteria provided, single submitter. Criteria: Invitae Variant Classification Sherloc (09022015). Collection method: clinical testing. Allele origin: germline.
Comment: This sequence change replaces serine, which is neutral and polar, with glycine, which is neutral and non-polar, at codon 132 of the NLRC4 protein (p.Ser132Gly). This variant is not present in population databases (gnomAD no frequency). This variant has not been reported in the literature in individuals affected with NLRC4-related conditions. Invitae Evidence Modeling of protein sequence and biophysical properties (such as structural, functional, and spatial information, amino acid conservation, physicochemical variation, residue mobility, and thermodynamic stability) indicates that this missense variant is not expected to disrupt NLRC4 protein function with a negative predictive value of 80%. Algorithms developed to predict the effect of sequence changes on RNA splicing suggest that this variant may create or strengthen a splice site. In summary, the available evidence is currently insufficient to determine the role of this variant in disease. Therefore, it has been classified as a Variant of Uncertain Significance.